The following is an entry in ClinVar:

NM_002381.5(MATN3):c.284G>A (p.Arg95Gln)

Gene: MATN3 (matrilin 3; minus strand). Cytogenetic location: 2p24.1.
Variant type: single nucleotide variant.
Coding change: c.284G>A on transcript NM_002381.5 (MANE Select); coding-DNA position 284, G replaced by A.
Protein change: p.Arg95Gln; replaces arginine 95 with glutamine.
Molecular consequence: missense variant.
Genome position (GRCh38, 1-based): chr2:20,006,250, C>T on the plus strand (G>A on the coding strand, the complement: MATN3 is on the minus strand). VCF-style: chr2-20006250-C-T. GRCh37 (hg19) VCF-style: chr2-20206011-C-T.
Other names: c.284G>A (NM_002381.4); short protein forms R95Q.
Identifiers: ClinVar variation 1329477 (VCV001329477.6), dbSNP rs755692495, ClinGen allele CA1543997.

ClinVar aggregate classification (germline): Uncertain significance. Review status: criteria provided, multiple submitters, no conflicts (2 of 4 stars). 3 submissions from 3 submitters: Uncertain significance (3). Last evaluated 2024-12-03.

Conditions:
Multiple epiphyseal dysplasia type 5 (EDM5). Also called: Microepiphyseal dysplasia, bilateral hereditary; MATN3-Related Multiple Epiphyseal Dysplasia. Identifiers: Orphanet 93311, MedGen C1846843, MONDO:0011765, OMIM 607078.

Allele frequency attached by ClinVar (database versions not stated): gnomAD exomes 0.00001 and 0.00002; gnomAD 0.00002 and 0.00003; TOPMed 0.00002; ExAC 0.00003.

Submissions (3):

GeneDx
Classification: Uncertain significance. Last evaluated: 2024-12-03. Review status: criteria provided, single submitter. Criteria: GeneDx Variant Classification Process June 2021. Collection method: clinical testing. Allele origin: germline. Affected: yes.
Comment: In silico analysis supports that this missense variant has a deleterious effect on protein structure/function; Has not been previously published as pathogenic or benign to our knowledge

Labcorp Genetics (formerly Invitae), Labcorp
Classification: Uncertain significance. Last evaluated: 2024-09-09. Review status: criteria provided, single submitter. Criteria: Invitae Variant Classification Sherloc (09022015). Collection method: clinical testing. Allele origin: germline.
Comment: This sequence change replaces arginine, which is basic and polar, with glutamine, which is neutral and polar, at codon 95 of the MATN3 protein (p.Arg95Gln). This variant is present in population databases (rs755692495, gnomAD 0.008%). This variant has not been reported in the literature in individuals affected with MATN3-related conditions. ClinVar contains an entry for this variant (Variation ID: 1329477). Invitae Evidence Modeling of protein sequence and biophysical properties (such as structural, functional, and spatial information, amino acid conservation, physicochemical variation, residue mobility, and thermodynamic stability) indicates that this missense variant is expected to disrupt MATN3 protein function with a positive predictive value of 80%. In summary, the available evidence is currently insufficient to determine the role of this variant in disease. Therefore, it has been classified as a Variant of Uncertain Significance.

Diagnostics Services (NGS), CSIR - Centre For Cellular And Molecular Biology
Classification: Uncertain significance for Multiple epiphyseal dysplasia type 5. Last evaluated: 2021-11-09. Review status: criteria provided, single submitter. Criteria: ACMG Guidelines, 2015. Collection method: clinical testing. Allele origin: unknown. Inheritance: Autosomal dominant inheritance. Affected: yes. Observed: 1 variant allele, 1 heterozygote.
Comment: The c.284G>A variant is not present in publicly available population databases like 1000 Genomes and Exome Variant Server (EVS). The heterozygous state of the variant is present in Exome Aggregation Consortium (ExAC), Genome Aggregation Database (gnomAD) and dbSNP at a very low frequency. The variant is not present in Indian Exome Database and in our in-house exome database. The variant was not earlier reported to ClinVar, Human Genome Mutation Database (HGMD) or OMIM databases in any affected individuals. In-silico pathogenicity prediction programs like PolyPhen-2, MutationTaster2, CADD, Varsome etc. predicted this variant to be likely deleterious but these predictions have not been confirmed by published functional studies.